The following is an entry in ClinVar:

ClinVar aggregate classification (germline): Pathogenic/Likely pathogenic. Review status: criteria provided, multiple submitters, no conflicts (2 of 4 stars). 2 submissions from 2 submitters: Pathogenic (1); Likely pathogenic (1). Last evaluated 2024-01-16.

Conditions:
Cystinuria (CSNU). Also called: CYSTINURIA, TYPE I; CYSTINURIA, TYPE II; CYSTINURIA, TYPE III; Cystinuria, non-type I. Identifiers: Orphanet 214, MedGen C0010691, MONDO:0009067, OMIM 220100, HP:0003131.

Allele frequency attached by ClinVar (database versions not stated): gnomAD exomes 0.00001.
gnomAD v4.1: 9 of 1,613,210 alleles (0.00056%); highest among the groups gnomAD compares: East Asian, 0.0022%; no homozygotes.

Submissions (2):

Labcorp Genetics (formerly Invitae), Labcorp
Classification: Pathogenic. Last evaluated: 2024-01-16. Review status: criteria provided, single submitter. Criteria: Invitae Variant Classification Sherloc (09022015). Collection method: clinical testing. Allele origin: germline.
Comment: This sequence change replaces glycine, which is neutral and non-polar, with arginine, which is basic and polar, at codon 319 of the SLC7A9 protein (p.Gly319Arg). This variant is not present in population databases (gnomAD no frequency). This missense change has been observed in individuals with cystinuria (PMID: 16138908, 33349102). ClinVar contains an entry for this variant (Variation ID: 836401). Advanced modeling of protein sequence and biophysical properties (such as structural, functional, and spatial information, amino acid conservation, physicochemical variation, residue mobility, and thermodynamic stability) performed at Invitae indicates that this missense variant is expected to disrupt SLC7A9 protein function with a positive predictive value of 80%. This variant disrupts the p.Gly319 amino acid residue in SLC7A9. Other variant(s) that disrupt this residue have been observed in individuals with SLC7A9-related conditions (PMID: 28689648), which suggests that this may be a clinically significant amino acid residue. For these reasons, this variant has been classified as Pathogenic.

Juno Genomics, Hangzhou Juno Genomics, Inc
Classification: Likely pathogenic for Cystinuria. Review status: criteria provided, single submitter. Criteria: ACMG Guidelines, 2015. Collection method: clinical testing. Allele origin: germline.
Comment: Absent from controls (or at extremely low frequency if recessive) in Genome Aggregation Database.;Multiple lines of computational evidence support a deleterious effect on the gene or gene product.;For recessive disorders, detected in trans with a pathogenic variant.;Patient's phenotype or family history is highly specific for a disease with a single genetic etiology.

Literature cited by the submitters: PubMed 16138908 (cited by Labcorp Genetics (formerly Invitae), Labcorp); PubMed 33349102 (cited by Labcorp Genetics (formerly Invitae), Labcorp); PubMed 28689648 (cited by Labcorp Genetics (formerly Invitae), Labcorp).

NM_014270.5(SLC7A9):c.955G>A (p.Gly319Arg)

Gene: SLC7A9 (solute carrier family 7 member 9; minus strand). Cytogenetic location: 19q13.11.
Variant type: single nucleotide variant.
Coding change: c.955G>A on transcript NM_014270.5 (MANE Select); coding-DNA position 955, G replaced by A.
Protein change: p.Gly319Arg; replaces glycine 319 with arginine.
Molecular consequence: missense variant.
Genome position (GRCh38, 1-based): chr19:32,858,462, C>T on the plus strand (G>A on the coding strand, the complement: SLC7A9 is on the minus strand). VCF-style: chr19-32858462-C-T. GRCh37 (hg19) VCF-style: chr19-33349368-C-T.
Other names: c.955G>A, p.Gly319Arg (NM_001126335.2, NM_001243036.2); short protein forms G319R.
Identifiers: ClinVar variation 836401 (VCV000836401.9), dbSNP rs1968693380, ClinGen allele CA405200749.